The following is an entry in ClinVar:

NM_079420.3(MYL1):c.133-1038C>T

Gene: MYL1 (myosin light chain 1; minus strand). Cytogenetic location: 2q34.
Variant type: single nucleotide variant.
Coding change: c.133-1038C>T on transcript NM_079420.3 (MANE Select); 1038 bases into the intron before coding-DNA position 133, C replaced by T.
Molecular consequence: intron variant. On other transcripts: 5 prime UTR variant (1).
Genome position (GRCh38, 1-based): chr2:210,303,553, G>A on the plus strand (C>T on the coding strand, the complement: MYL1 is on the minus strand). VCF-style: chr2-210303553-G-A. GRCh37 (hg19) VCF-style: chr2-211168277-G-A.
Other names: c.-9C>T (NM_079422.3).
Identifiers: ClinVar variation 3037557 (VCV003037557.2), dbSNP rs181132123, ClinGen allele CA2085358.

ClinVar aggregate classification (germline): Likely benign (0 of 4 stars; one submission).

Conditions:
MYL1-related disorder. Also called: MYL1-related condition.

Allele frequency attached by ClinVar (database versions not stated): 1000 Genomes Project 30x 0.00047; 1000 Genomes Project 0.00060; ExAC 0.00362; gnomAD 0.00379; TOPMed 0.00385; ESP Exome Variant Server 0.00431; gnomAD exomes 0.00699.

Submission:

PreventionGenetics, part of Exact Sciences
Classification: Likely benign for MYL1-related condition. Last evaluated: 2019-12-03. Review status: no assertion criteria provided. Collection method: clinical testing. Allele origin: germline.
Comment: This variant is classified as likely benign based on ACMG/AMP sequence variant interpretation guidelines (Richards et al. 2015 PMID: 25741868, with internal and published modifications).